The following is an entry in ClinVar:

ClinVar aggregate classification (germline): Pathogenic (1 of 4 stars; one submission).

Conditions:
Bernard Soulier syndrome (BSS). Also called: BLEEDING DISORDER, PLATELET-TYPE, 1; GLYCOPROTEIN Ib, PLATELET, DEFICIENCY OF; PLATELET GLYCOPROTEIN Ib DEFICIENCY; VON WILLEBRAND FACTOR RECEPTOR DEFICIENCY; Platelet Glycoprotein 1b, Deficiency of; Giant platelet syndrome. Identifiers: Orphanet 274, MedGen C0005129, MeSH D001606, MONDO:0009276, OMIM 231200.

Submission:

Women's Health and Genetics/Laboratory Corporation of America, LabCorp
Classification: Pathogenic for Bernard Soulier syndrome. Last evaluated: 2025-10-27. Review status: criteria provided, single submitter. Criteria: LabCorp Variant Classification Summary - May 2015. Collection method: clinical testing. Allele origin: germline.
Comment: Variant summary: The variant involves the deletion of exons 1-2 in the GP1BB gene. A presumed nomenclature of c.(?_-32)_(*308_?)del has been designated for the purposes of this classification. This deletion includes the entire coding sequence of the gene. As the exact proximal and distal breakpoints are unknown, it may extend beyond the annotated region of the gene to include other flanking genes. Loss-of-function variants in this gene are known to be pathogenic. A large deletion (~2.5 Mbp) that includes the GP1BB gene together with other genes was found at a frequency of 6.7e-05 in 120172 control chromosomes in the gnomAD database (Structural Variants v4.1 dataset). In addition, some other large deletions with lower allele frequencies were also found in this region. The deletion of the GP1BB gene has been observed in individuals affected with Bernard Soulier Syndrome (e.g. Ludlow_1996, Kunishima_2013). The following publications have been ascertained in the context of this evaluation (PMID: 8703016, 23566026). No submitters have cited clinical-significance assessments for this variant (in isolation) to ClinVar. Based on the evidence outlined above, the variant was classified as pathogenic.

Literature cited by the submitters: PubMed 23566026; PubMed 8703016.

NC_000022.10:g.(?_19711061)_(19712295_?)del

Gene: GP1BB (glycoprotein Ib platelet subunit beta; plus strand). Cytogenetic location: 22q11.21.
Variant type: Deletion.
Identifiers: ClinVar variation 4687727 (VCV004687727.1).